The following is an entry in ClinVar:

ClinVar aggregate classification (germline): Benign/Likely benign. Review status: criteria provided, multiple submitters, no conflicts (2 of 4 stars). 5 submissions from 5 submitters: Benign (3); Likely benign (2). Last evaluated 2026-09-01.

Conditions:
Amyotrophic lateral sclerosis type 1 (ALS1). Also called: AMYOTROPHIC LATERAL SCLEROSIS 1, FAMILIAL. Identifiers: Orphanet 803, MedGen C1862939, MONDO:0007103, OMIM 105400.
SOD1-related disorder. Also called: SOD1-related condition.

Submissions (5):

CeGaT Center for Human Genetics Tuebingen
Classification: Likely benign. Last evaluated: 2026-09-01. Review status: criteria provided, single submitter. Criteria: CeGaT Center For Human Genetics Tuebingen Variant Classification Criteria Version 2. Collection method: clinical testing. Allele origin: germline. Affected: yes. Observed: 7 variant alleles.
Comment: SOD1: BS1

Women's Health and Genetics/Laboratory Corporation of America, LabCorp
Classification: Benign. Last evaluated: 2026-05-18. Review status: criteria provided, single submitter. Criteria: LabCorp Variant Classification Summary - May 2015. Collection method: clinical testing. Allele origin: germline.
Comment: Variant summary: SOD1 c.169+52_169+58delAACAGTA is located at a position not widely known to affect splicing. Consensus agreement among computation tools predict no significant impact on normal splicing. However, these predictions have yet to be confirmed by functional studies. The variant allele was found at a frequency of 0.0031 in 1384634 control chromosomes, predominantly at a frequency of 0.015 within the Ashkenazi Jewish subpopulation in the gnomAD database, including 3 homozygotes. The observed variant frequency within Ashkenazi Jewish control individuals in the gnomAD database exceeds the estimated maximal expected allele frequency for disease-causing variants in SOD1. The variant, c.169+52_169+58delAACAGTA, has been observed in individual(s) affected with amyotrophic lateral sclerosis (ALS) (e.g. Berdynski_2022), however no supportive evidence for causality was provided. These report(s) do not provide unequivocal conclusions about association of the variant with disease. To our knowledge, no experimental evidence demonstrating an impact on protein function has been reported. The following publication has been ascertained in the context of this evaluation (PMID: 34996976). ClinVar contains an entry for this variant (Variation ID: 1170537). Based on the evidence outlined above, the variant was classified as benign.

PreventionGenetics, part of Exact Sciences
Classification: Likely benign for SOD1-related condition. Last evaluated: 2023-07-28. Review status: criteria provided, single submitter. Criteria: ACMG Guidelines, 2015. Collection method: clinical testing. Allele origin: germline.
Comment: This variant is classified as likely benign based on ACMG/AMP sequence variant interpretation guidelines (Richards et al. 2015 PMID: 25741868, with internal and published modifications).

Labcorp Genetics (formerly Invitae), Labcorp
Classification: Benign for Amyotrophic lateral sclerosis type 1. Last evaluated: 2022-11-28. Review status: criteria provided, single submitter. Criteria: Invitae Variant Classification Sherloc (09022015). Collection method: clinical testing. Allele origin: germline.

GeneDx
Classification: Benign. Last evaluated: 2018-12-10. Review status: criteria provided, single submitter. Criteria: GeneDx Variant Classification Process June 2021. Collection method: clinical testing. Allele origin: germline. Affected: yes.
Comment: This variant is associated with the following publications: (PMID: 26551617, 19654524)

Literature cited by the submitters: PubMed 34996976 (cited by Women's Health and Genetics/Laboratory Corporation of America, LabCorp).

NM_000454.5(SOD1):c.169+52_169+58del

Gene: SOD1 (superoxide dismutase 1; plus strand). Cytogenetic location: 21q22.11.
Variant type: Deletion.
Coding change: c.169+52_169+58del on transcript NM_000454.5 (MANE Select); bases 52 to 58 of the intron after coding-DNA position 169, 7 bases deleted (AACAGTA; older notation c.169+52_169+58delAACAGTA).
Molecular consequence: intron variant.
Genome position (GRCh38, 1-based): chr21:31,663,938-31,663,944, AACAGTA deleted; deleting any 7 consecutive bases within chr21:31,663,936-31,663,944 gives the same sequence; the c. name uses the placement nearest the transcript's 3' end. VCF-style (leftmost placement, unchanged base first): chr21-31663935-ATAAACAG-A. GRCh37 (hg19) VCF-style: chr21-33036248-ATAAACAG-A.
Other names: c.169+52_169+58delAACAGTA (NM_000454.5).
Identifiers: ClinVar variation 1170537 (VCV001170537.40), dbSNP rs541000032, ClinGen allele CA9998902.